The following is an entry in ClinVar:

NM_002615.7(SERPINF1):c.1091G>C (p.Trp364Ser)

Gene: SERPINF1 (serpin family F member 1; plus strand). Cytogenetic location: 17p13.3.
Variant type: single nucleotide variant.
Coding change: c.1091G>C on transcript NM_002615.7 (MANE Select); coding-DNA position 1091, G replaced by C.
Protein change: p.Trp364Ser; replaces tryptophan 364 with serine.
Molecular consequence: missense variant.
Genome position (GRCh38, 1-based): chr17:1,777,280, G>C. VCF-style: chr17-1777280-G-C. GRCh37 (hg19) VCF-style: chr17-1680574-G-C.
Other names: c.1091G>C, p.Trp364Ser (NM_001329903.2); c.530G>C, p.Trp177Ser (NM_001329904.2, NM_001329905.2); short protein forms W177S, W364S.
Identifiers: ClinVar variation 1714228 (VCV001714228.5), dbSNP rs767448036, ClinGen allele CA397590764.

ClinVar aggregate classification (germline): Uncertain significance (1 of 4 stars; one submission).

Submission:

Labcorp Genetics (formerly Invitae), Labcorp
Classification: Uncertain significance. Last evaluated: 2024-04-17. Review status: criteria provided, single submitter. Criteria: Invitae Variant Classification Sherloc (09022015). Collection method: clinical testing. Allele origin: germline.
Comment: This sequence change replaces tryptophan, which is neutral and slightly polar, with serine, which is neutral and polar, at codon 364 of the SERPINF1 protein (p.Trp364Ser). This variant is not present in population databases (gnomAD no frequency). This variant has not been reported in the literature in individuals affected with SERPINF1-related conditions. ClinVar contains an entry for this variant (Variation ID: 1714228). Advanced modeling of protein sequence and biophysical properties (such as structural, functional, and spatial information, amino acid conservation, physicochemical variation, residue mobility, and thermodynamic stability) performed at Invitae indicates that this missense variant is not expected to disrupt SERPINF1 protein function with a negative predictive value of 80%. In summary, the available evidence is currently insufficient to determine the role of this variant in disease. Therefore, it has been classified as a Variant of Uncertain Significance.